The following is an entry in ClinVar:

ClinVar aggregate classification (germline): Uncertain significance (1 of 4 stars; one submission).

Submission:

Quest Diagnostics Nichols Institute San Juan Capistrano
Classification: Uncertain significance. Last evaluated: 2023-08-16. Review status: criteria provided, single submitter. Criteria: Quest Diagnostics criteria. Collection method: clinical testing. Allele origin: unknown.
Comment: To the best of our knowledge, this variant has not been reported in the published literature. It also has not been reported in large, multi-ethnic general populations (Genome Aggregation Database). Analysis of this variant using bioinformatics tools for the prediction of the effect of amino acid changes on protein structure and function yielded predictions that this variant is benign. Additional analysis using software algorithms for the prediction of the effect of nucleotide changes on BRCA2 mRNA splicing yielded predictions that this variant may result in the gain of a cryptic splice site without affecting the natural splice sites . Based on the available information, we are unable to determine the clinical significance of this variant.

NM_000059.4(BRCA2):c.7013C>G (p.Thr2338Ser)

Gene: BRCA2 (BRCA2 DNA repair associated; plus strand). Cytogenetic location: 13q13.1.
Variant type: single nucleotide variant.
Coding change: c.7013C>G on transcript NM_000059.4 (MANE Select); coding-DNA position 7013, C replaced by G.
Protein change: p.Thr2338Ser; replaces threonine 2338 with serine.
Molecular consequence: missense variant. On other transcripts: non-coding transcript variant (1).
Genome position (GRCh38, 1-based): chr13:32,354,866, C>G. VCF-style: chr13-32354866-C-G. GRCh37 (hg19) VCF-style: chr13-32929003-C-G.
Other names: c.6917C>G, p.Thr2306Ser (NM_001406719.1); c.7013C>G, p.Thr2338Ser (NM_001406720.1); c.2081C>G, p.Thr694Ser (NM_001406721.1); c.596C>G, p.Thr199Ser (NM_001406722.1); short protein forms T199S, T2306S, T2338S, T694S.
Identifiers: ClinVar variation 2681835 (VCV002681835.1), dbSNP rs2072676191, ClinGen allele CA387794082.